The following is an entry in ClinVar:

NM_000540.3(RYR1):c.5848G>C (p.Glu1950Gln)

Gene: RYR1 (ryanodine receptor 1; plus strand). Cytogenetic location: 19q13.2.
Variant type: single nucleotide variant.
Coding change: c.5848G>C on transcript NM_000540.3 (MANE Select); coding-DNA position 5848, G replaced by C.
Protein change: p.Glu1950Gln; replaces glutamic acid 1950 with glutamine.
Molecular consequence: missense variant.
Genome position (GRCh38, 1-based): chr19:38,490,109, G>C. VCF-style: chr19-38490109-G-C. GRCh37 (hg19) VCF-style: chr19-38980749-G-C.
Other names: c.5848G>C, p.Glu1950Gln (NM_001042723.2); short protein forms E1950Q.
Identifiers: ClinVar variation 2142600 (VCV002142600.1), dbSNP rs759938588, ClinGen allele CA067518.

ClinVar aggregate classification (germline): Uncertain significance (1 of 4 stars; one submission).

Conditions:
RYR1-related disorder. Also called: RYR1-related condition; RYR1-related disorders. Identifiers: MedGen CN239331.

Allele frequency attached by ClinVar (database versions not stated): gnomAD exomes 0.00001; ExAC 0.00002.
gnomAD v4.1: 15 of 1,614,178 alleles (0.00093%); highest among the groups gnomAD compares: Non-Finnish European, 0.0012%; no homozygotes.

Submission:

Labcorp Genetics (formerly Invitae), Labcorp
Classification: Uncertain significance for RYR1-related disorder. Last evaluated: 2022-02-01. Review status: criteria provided, single submitter. Criteria: Invitae Variant Classification Sherloc (09022015). Collection method: clinical testing. Allele origin: germline.
Comment: This sequence change replaces glutamic acid, which is acidic and polar, with glutamine, which is neutral and polar, at codon 1950 of the RYR1 protein (p.Glu1950Gln). This variant is present in population databases (rs759938588, gnomAD 0.004%). This variant has not been reported in the literature in individuals affected with RYR1-related conditions. Advanced modeling of protein sequence and biophysical properties (such as structural, functional, and spatial information, amino acid conservation, physicochemical variation, residue mobility, and thermodynamic stability) performed at Invitae indicates that this missense variant is not expected to disrupt RYR1 protein function. In summary, the available evidence is currently insufficient to determine the role of this variant in disease. Therefore, it has been classified as a Variant of Uncertain Significance.